The following is an entry in ClinVar:

ClinVar aggregate classification (germline): Uncertain significance (1 of 4 stars; one submission).

gnomAD v4.1: 1 of 1,613,180 alleles (0.000062%); highest among the groups gnomAD compares: Middle Eastern, 0.016%; no homozygotes.

Submission:

Labcorp Genetics (formerly Invitae), Labcorp
Classification: Uncertain significance. Last evaluated: 2025-07-09. Review status: criteria provided, single submitter. Criteria: Invitae Variant Classification Sherloc (09022015). Collection method: clinical testing. Allele origin: germline.
Comment: This sequence change replaces isoleucine, which is neutral and non-polar, with leucine, which is neutral and non-polar, at codon 1167 of the RERE protein (p.Ile1167Leu). This variant is not present in population databases (gnomAD no frequency). This variant has not been reported in the literature in individuals affected with RERE-related conditions. Invitae Evidence Modeling of protein sequence and biophysical properties (such as structural, functional, and spatial information, amino acid conservation, physicochemical variation, residue mobility, and thermodynamic stability) indicates that this missense variant is not expected to disrupt RERE protein function with a negative predictive value of 95%. In summary, the available evidence is currently insufficient to determine the role of this variant in disease. Therefore, it has been classified as a Variant of Uncertain Significance.

NM_001042681.2(RERE):c.3499A>C (p.Ile1167Leu)

Gene: RERE (arginine-glutamic acid dipeptide repeats; minus strand). Cytogenetic location: 1p36.23.
Variant type: single nucleotide variant.
Coding change: c.3499A>C on transcript NM_001042681.2 (MANE Select); coding-DNA position 3499, A replaced by C.
Protein change: p.Ile1167Leu; replaces isoleucine 1167 with leucine.
Molecular consequence: missense variant.
Genome position (GRCh38, 1-based): chr1:8,359,883, T>G on the plus strand (A>C on the coding strand, the complement: RERE is on the minus strand). VCF-style: chr1-8359883-T-G. GRCh37 (hg19) VCF-style: chr1-8419943-T-G.
Other names: c.1837A>C, p.Ile613Leu (NM_001042682.2); c.3499A>C, p.Ile1167Leu (NM_012102.4); short protein forms I613L, I1167L.
Identifiers: ClinVar variation 4766138 (VCV004766138.1).